The following is an entry in ClinVar:

ClinVar aggregate classification (germline): Uncertain significance. Review status: criteria provided, multiple submitters, no conflicts (2 of 4 stars). 4 submissions from 4 submitters: Uncertain significance (4). Last evaluated 2026-06-02.

Conditions:
Inborn genetic diseases. Identifiers: MedGen C0950123, MeSH D030342.
DCHS1-related disorder. Also called: DCHS1-related condition.

Allele frequency attached by ClinVar (database versions not stated): ExAC 0.00001; gnomAD exomes 0.00002 and 0.00009; TOPMed 0.00003; gnomAD 0.00005 and 0.00006.
gnomAD v4.1: 134 of 1,613,692 alleles (0.0083%); highest among the groups gnomAD compares: Non-Finnish European, 0.011%; no homozygotes.

Submissions (4):

Women's Health and Genetics/Laboratory Corporation of America, LabCorp
Classification: Uncertain significance. Last evaluated: 2026-06-02. Review status: criteria provided, single submitter. Criteria: LabCorp Variant Classification Summary - May 2015. Collection method: clinical testing. Allele origin: germline.
Comment: Variant summary: DCHS1 c.1521G>C (p.Gln507His) results in a non-conservative amino acid change in the encoded protein sequence. Algorithms developed to predict the effect of missense changes on protein structure and function are either unavailable or do not agree on the potential impact of this missense change. The variant allele was found at a frequency of 1.6e-05 in 250144 control chromosomes. The available data on variant occurrences in the general population are insufficient to allow any conclusion about variant significance. To our knowledge, no occurrence of c.1521G>C in individuals affected with DCHS1-related conditions and no experimental evidence demonstrating its impact on protein function have been reported. ClinVar contains an entry for this variant (Variation ID: 1410079). Based on the evidence outlined above, the variant was classified as uncertain significance.

PreventionGenetics, part of Exact Sciences
Classification: Uncertain significance for DCHS1-related condition. Last evaluated: 2026-04-09. Review status: criteria provided, single submitter. Criteria: ACMG Guidelines, 2015. Collection method: clinical testing. Allele origin: germline.
Comment: The DCHS1 c.1521G>C variant is predicted to result in the amino acid substitution p.Gln507His. To our knowledge, this variant has not been reported in the literature. This variant is reported in 0.0047% of alleles in individuals of European (Non-Finnish) descent in gnomAD. At this time, the clinical significance of this variant is uncertain due to the absence of conclusive functional and genetic evidence.

Labcorp Genetics (formerly Invitae), Labcorp
Classification: Uncertain significance. Last evaluated: 2025-12-22. Review status: criteria provided, single submitter. Criteria: Invitae Variant Classification Sherloc (09022015). Collection method: clinical testing. Allele origin: germline.
Comment: This sequence change replaces glutamine, which is neutral and polar, with histidine, which is basic and polar, at codon 507 of the DCHS1 protein (p.Gln507His). This variant is present in population databases (rs748736655, gnomAD 0.004%). This variant has not been reported in the literature in individuals affected with DCHS1-related conditions. ClinVar contains an entry for this variant (Variation ID: 1410079). Invitae Evidence Modeling of protein sequence and biophysical properties (such as structural, functional, and spatial information, amino acid conservation, physicochemical variation, residue mobility, and thermodynamic stability) indicates that this missense variant is not expected to disrupt DCHS1 protein function with a negative predictive value of 80%. In summary, the available evidence is currently insufficient to determine the role of this variant in disease. Therefore, it has been classified as a Variant of Uncertain Significance.

Ambry Genetics
Classification: Uncertain significance for Inborn genetic diseases. Last evaluated: 2024-10-12. Review status: criteria provided, single submitter. Criteria: Ambry Variant Classification Scheme 2023. Collection method: clinical testing. Allele origin: germline.

NM_003737.4(DCHS1):c.1521G>C (p.Gln507His)

Gene: DCHS1 (dachsous cadherin-related 1; minus strand). Cytogenetic location: 11p15.4.
Variant type: single nucleotide variant.
Coding change: c.1521G>C on transcript NM_003737.4 (MANE Select); coding-DNA position 1521, G replaced by C.
Protein change: p.Gln507His; replaces glutamine 507 with histidine.
Molecular consequence: missense variant.
Genome position (GRCh38, 1-based): chr11:6,640,093, C>G on the plus strand (G>C on the coding strand, the complement: DCHS1 is on the minus strand). VCF-style: chr11-6640093-C-G. GRCh37 (hg19) VCF-style: chr11-6661324-C-G.
Other names: c.1521G>C (NM_003737.2, NM_003737.3); short protein forms Q507H.
Identifiers: ClinVar variation 1410079 (VCV001410079.12), dbSNP rs748736655, ClinGen allele CA5860948.